The following is an entry in ClinVar:

NM_138694.4(PKHD1):c.9289G>A (p.Ala3097Thr)

Gene: PKHD1 (PKHD1 ciliary IPT domain containing fibrocystin/polyductin; minus strand). Cytogenetic location: 6p12.3.
Variant type: single nucleotide variant.
Coding change: c.9289G>A on transcript NM_138694.4 (MANE Select); coding-DNA position 9289, G replaced by A.
Protein change: p.Ala3097Thr; replaces alanine 3097 with threonine.
Molecular consequence: missense variant.
Genome position (GRCh38, 1-based): chr6:51,748,327, C>T on the plus strand (G>A on the coding strand, the complement: PKHD1 is on the minus strand). VCF-style: chr6-51748327-C-T. GRCh37 (hg19) VCF-style: chr6-51613125-C-T.
Other names: c.9289G>A, p.Ala3097Thr (NM_170724.3); short protein forms A3097T.
Identifiers: ClinVar variation 2584998 (VCV002584998.1), dbSNP rs2533821673, ClinGen allele CA364422386.

ClinVar aggregate classification (germline): Uncertain significance (1 of 4 stars; one submission).

Conditions:
Polycystic kidney disease 4 (PKD4). Also called: POLYCYSTIC KIDNEY AND HEPATIC DISEASE 1; POLYCYSTIC KIDNEY DISEASE, INFANTILE, TYPE I; PKD3; Autosomal Recessive Polycystic Kidney Disease – PKHD1; POLYCYSTIC KIDNEY DISEASE 4 WITH OR WITHOUT POLYCYSTIC LIVER DISEASE. Identifiers: MedGen C4540575, MONDO:0033004, OMIM 263200.

Submission:

Neuberg Centre For Genomic Medicine, NCGM
Classification: Uncertain significance for Polycystic kidney disease 4. Review status: criteria provided, single submitter. Criteria: ACMG Guidelines, 2015. Collection method: clinical testing. Allele origin: germline. Inheritance: Autosomal recessive inheritance. Affected: yes.
Comment: The c.9289G>A (p.Ala3097Thr) missense variant in PKHD1 gene has not been reported previously as a pathogenic variant nor as a benign variant, to our knowledge. The p.Ala3097Thr variant is novel (not in any individuals) in gnomAD Exomes and 1000 Genomes. The amino acid Ala at position 3097 is changed to a Thr changing protein sequence and it might alter its composition and physico-chemical properties. The amino acid change p.Ala3097Thr in PKHD1 is predicted as conserved by GERP++ and PhyloP across 100 vertebrates. For these reasons, this variant has been classified as Variant of Uncertain Significance (VUS).